The following is an entry in ClinVar:

NM_052947.4(ALPK2):c.4441C>A (p.Gln1481Lys)

Genes: ALPK2 (alpha kinase 2; minus strand), LOC126862764 (BRD4-independent group 4 enhancer GRCh37_chr18:56202574-56203773; plus strand). Cytogenetic location: 18q21.31.
Variant type: single nucleotide variant.
Coding change: c.4441C>A on transcript NM_052947.4 (MANE Select); coding-DNA position 4441, C replaced by A.
Protein change: p.Gln1481Lys; replaces glutamine 1481 with lysine.
Molecular consequence: missense variant.
Genome position (GRCh38, 1-based): chr18:58,535,746, G>T on the plus strand (C>A on the coding strand, the complement: ALPK2 is on the minus strand). VCF-style: chr18-58535746-G-T. GRCh37 (hg19) VCF-style: chr18-56202978-G-T.
Other names: short protein forms Q1481K.
Identifiers: ClinVar variation 1740628 (VCV001740628.2), dbSNP rs1373488588, ClinGen allele CA402562452.

ClinVar aggregate classification (germline): Uncertain significance (1 of 4 stars; one submission).

Submission:

Ambry Genetics
Classification: Uncertain significance. Last evaluated: 2021-11-05. Review status: criteria provided, single submitter. Criteria: Ambry Variant Classification Scheme 2023. Collection method: clinical testing. Allele origin: germline.
Comment: The p.Q1481K variant (also known as c.4441C>A), located in coding exon 4 of the ALPK2 gene, results from a C to A substitution at nucleotide position 4441. The glutamine at codon 1481 is replaced by lysine, an amino acid with similar properties. This amino acid position is conserved. In addition, this alteration is predicted to be tolerated by in silico analysis. Since supporting evidence is limited at this time, the clinical significance of this alteration remains unclear.